The following is an entry in ClinVar:

NM_022725.4(FANCF):c.817_820del (p.Val273fs)

Gene: FANCF (FA complementation group F; minus strand). Cytogenetic location: 11p14.3.
Variant type: Deletion.
Coding change: c.817_820del on transcript NM_022725.4 (MANE Select); coding-DNA positions 817 to 820, 4 bases deleted (GTCT; older notation c.817_820delGTCT).
Protein change: p.Val273fs; shifts the reading frame from valine 273.
Molecular consequence: frameshift variant.
Genome position (GRCh38, 1-based): chr11:22,624,991-22,624,994, AGAC deleted on the plus strand (GTCT on the coding strand, the reverse complement: FANCF is on the minus strand); deleting any 4 consecutive bases within chr11:22,624,991-22,624,996 gives the same sequence; the c. name uses the placement nearest the transcript's 3' end. VCF-style (leftmost placement, unchanged base first): chr11-22624990-TAGAC-T. GRCh37 (hg19) VCF-style: chr11-22646536-TAGAC-T.
Other names: c.817_820delGTCT (NM_022725.4); short protein forms V273fs.
Identifiers: ClinVar variation 1334027 (VCV001334027.2), dbSNP rs1858619779, ClinGen allele CA1957606959.
Genomic context (GRCh38, chr11:22,624,990, plus strand): 5'-CAAATGCCTTTCTGAAGGTCATAGTGCAAACGTTGACCCCAGTCTGTTAGCAGACCCAGA[TAGAC>T]AGGAGACAGCGCTGGGTGGCGGCTAGTCACTAAAGTCAAAAGCCCGGCTGGGAGGGCGCG-3'

ClinVar aggregate classification (germline): Conflicting classifications of pathogenicity. Review status: criteria provided, conflicting classifications (1 of 4 stars). 2 submissions from 2 submitters: Likely pathogenic (1); Uncertain significance (1). Last evaluated 2024-09-23.

Conditions:
Fanconi anemia complementation group F. Also called: FANCF-Related Fanconi Anemia. Identifiers: Orphanet 84, MedGen C3469526, MONDO:0011325, OMIM 603467.

Submissions (2):

Women's Health and Genetics/Laboratory Corporation of America, LabCorp
Classification: Uncertain significance. Last evaluated: 2024-09-23. Review status: criteria provided, single submitter. Criteria: LabCorp Variant Classification Summary - May 2015. Collection method: clinical testing. Allele origin: germline.
Comment: Variant summary: FANCF c.817_820delGTCT (p.Val273IlefsX5) results in a premature termination codon, predicted to cause a truncation of the encoded protein, though it is not expected to result in absence of the protein due to nonsense mediated decay. The variant was absent in 251462 control chromosomes (gnomAD). The available data on variant occurrences in the general population are insufficient to allow any conclusion about variant significance. To our knowledge, no occurrence of c.817_820delGTCT in individuals affected with Fanconi Anemia and no experimental evidence demonstrating its impact on protein function have been reported. No downstream pathogenic variants have been found. ClinVar contains an entry for this variant (Variation ID: 1334027). Based on the evidence outlined above, the variant was classified as uncertain significance.

CENTOGENE GmbH and LLC - Guiding Precision Medicine
Classification: Likely pathogenic for Fanconi anemia complementation group F. Last evaluated: 2016-11-21. Review status: criteria provided, single submitter. Criteria: ACMG Guidelines, 2015. Collection method: clinical testing. Allele origin: paternal. Affected: no.